The following is an entry in ClinVar:

NM_178170.3(NEK8):c.953G>A (p.Gly318Asp)

Gene: NEK8 (NIMA related kinase 8; plus strand). Cytogenetic location: 17q11.2.
Variant type: single nucleotide variant.
Coding change: c.953G>A on transcript NM_178170.3 (MANE Select); coding-DNA position 953, G replaced by A.
Protein change: p.Gly318Asp; replaces glycine 318 with aspartic acid.
Molecular consequence: missense variant.
Genome position (GRCh38, 1-based): chr17:28,737,882, G>A. VCF-style: chr17-28737882-G-A. GRCh37 (hg19) VCF-style: chr17-27064900-G-A.
Other names: c.953G>A (NM_178170.2); short protein forms G318D.
Identifiers: ClinVar variation 3581763 (VCV003581763.2).

ClinVar aggregate classification (germline): Uncertain significance. Review status: criteria provided, multiple submitters, no conflicts (2 of 4 stars). 2 submissions from 2 submitters: Uncertain significance (2). Last evaluated 2026-06-25.

Conditions:
NEK8-related disorder. Also called: NEK8-related condition.
Renal-hepatic-pancreatic dysplasia 2 (RHPD2). Identifiers: MedGen C3809434, MONDO:0014174, OMIM 615415.
Nephronophthisis 9 (NPHP9). Identifiers: Orphanet 655, MedGen C3151188, MONDO:0013444, OMIM 613824.
Polycystic kidney disease 8. Identifiers: MedGen C5935640, MONDO:0971178, OMIM 620903.

gnomAD v4.1: 7 of 1,613,786 alleles (0.00043%); highest among the groups gnomAD compares: African/African-American, 0.004%; no homozygotes.

Submissions (2):

PreventionGenetics, part of Exact Sciences
Classification: Uncertain significance for NEK8-related condition. Last evaluated: 2026-06-25. Review status: criteria provided, single submitter. Criteria: ACMG Guidelines, 2015. Collection method: clinical testing. Allele origin: germline.
Comment: The NEK8 c.953G>A variant is predicted to result in the amino acid substitution p.Gly318Asp. To our knowledge, this variant has not been reported in the literature. This variant is reported in 0.012% of alleles in individuals of African descent in gnomAD. At this time, the clinical significance of this variant is uncertain due to the absence of conclusive functional and genetic evidence.

Fulgent Genetics
Classification: Uncertain significance for Nephronophthisis 9; Renal-hepatic-pancreatic dysplasia 2; Polycystic kidney disease 8. Last evaluated: 2024-03-02. Review status: criteria provided, single submitter. Criteria: ACMG Guidelines, 2015. Collection method: clinical testing. Allele origin: germline.